The following is an entry in ClinVar:

NM_020937.4(FANCM):c.575A>T (p.Gln192Leu)

Gene: FANCM (FA complementation group M; plus strand). Cytogenetic location: 14q21.2.
Variant type: single nucleotide variant.
Coding change: c.575A>T on transcript NM_020937.4 (MANE Select); coding-DNA position 575, A replaced by T.
Protein change: p.Gln192Leu; replaces glutamine 192 with leucine.
Molecular consequence: missense variant.
Genome position (GRCh38, 1-based): chr14:45,137,135, A>T. VCF-style: chr14-45137135-A-T. GRCh37 (hg19) VCF-style: chr14-45606338-A-T.
Other names: c.575A>T, p.Gln192Leu (NM_001308133.2, NM_001308134.2); short protein forms Q192L.
Identifiers: ClinVar variation 1035226 (VCV001035226.13), dbSNP rs768031730, ClinGen allele CA389588748.

ClinVar aggregate classification (germline): Uncertain significance. Review status: criteria provided, multiple submitters, no conflicts (2 of 4 stars). 3 submissions from 3 submitters: Uncertain significance (2). 1 of the submissions does not count toward it. Last evaluated 2022-04-25.

Conditions:
Fanconi anemia (FA). Also called: Fanconi's anemia. Identifiers: Orphanet 84, MedGen C0015625, MeSH D005199, MONDO:0019391.
Premature ovarian failure 15. Identifiers: MedGen C4748170, MONDO:0054862, OMIM 618096.

Allele frequency attached by ClinVar (database versions not stated): gnomAD exomes below 0.00001; gnomAD 0.00001; TOPMed 0.00001.
gnomAD v4.1: 5 of 1,613,248 alleles (0.00031%); highest among the groups gnomAD compares: Non-Finnish European, 0.00042%; no homozygotes.

Submissions (3):

GeneDx
Classification: Uncertain significance. Last evaluated: 2022-04-25. Review status: criteria provided, single submitter. Criteria: GeneDx Variant Classification Process June 2021. Collection method: clinical testing. Allele origin: germline. Affected: yes.
Comment: Not observed at significant frequency in large population cohorts (gnomAD); In silico analysis supports that this missense variant has a deleterious effect on protein structure/function; Has not been previously published as pathogenic or benign to our knowledge

Labcorp Genetics (formerly Invitae), Labcorp
Classification: Uncertain significance for Fanconi anemia. Last evaluated: 2021-12-14. Review status: criteria provided, single submitter. Criteria: Invitae Variant Classification Sherloc (09022015). Collection method: clinical testing. Allele origin: germline.
Comment: This variant is not present in population databases (gnomAD no frequency). This sequence change replaces glutamine, which is neutral and polar, with leucine, which is neutral and non-polar, at codon 192 of the FANCM protein (p.Gln192Leu). This variant has not been reported in the literature in individuals affected with FANCM-related conditions. ClinVar contains an entry for this variant (Variation ID: 1035226). Algorithms developed to predict the effect of missense changes on protein structure and function are either unavailable or do not agree on the potential impact of this missense change (SIFT: "Deleterious"; PolyPhen-2: "Probably Damaging"; Align-GVGD: "Class C0"). In summary, the available evidence is currently insufficient to determine the role of this variant in disease. Therefore, it has been classified as a Variant of Uncertain Significance.

OMIM
Classification: Pathogenic for PREMATURE OVARIAN FAILURE 15. Last evaluated: 2024-07-23. Review status: no assertion criteria provided. Collection method: literature only. Allele origin: germline. Not counted in ClinVar's aggregate classification.

Literature cited by the submitters: PubMed 36099812 (cited by OMIM).